The following is an entry in ClinVar:

NM_024675.4(PALB2):c.1152_1153insCA (p.Ala385fs)

Gene: PALB2 (partner and localizer of BRCA2; minus strand). Cytogenetic location: 16p12.2.
Variant type: Insertion.
Coding change: c.1152_1153insCA on transcript NM_024675.4 (MANE Select); coding-DNA positions 1152 to 1153, CA inserted.
Protein change: p.Ala385fs; shifts the reading frame from alanine 385.
Molecular consequence: frameshift variant. On other transcripts: intron variant (3).
Genome position: GRCh38 VCF-style: chr16-23635393-C-CTG. GRCh37 (hg19) VCF-style: chr16-23646714-C-CTG.
Other names: c.1092_1093insCA, p.Ala365fs (NM_001407296.1); c.1152_1153insCA, p.Ala385fs (NM_001407297.1, NM_001407298.1, NM_001407299.1 and 3 more transcripts); c.267_268insCA, p.Ala90fs (NM_001407304.1, NM_001407305.1, NM_001407306.1 and 5 more transcripts); c.48+5716_48+5717insAC (NM_001407314.1); c.-104-4925_-104-4924insAC (NM_001407313.1, NM_001407312.1); short protein forms A365fs, A385fs, A90fs.
Identifiers: ClinVar variation 2674036 (VCV002674036.1), dbSNP rs2506487128, ClinGen allele CA2695197504.

ClinVar aggregate classification (germline): Pathogenic (1 of 4 stars; one submission).

Conditions:
Familial cancer of breast. Also called: Hereditary breast cancer; BREAST CANCER, FAMILIAL; hereditary breast carcinoma. Identifiers: Orphanet 227535, MedGen C0346153, MONDO:0016419, OMIM 114480. Disease mechanism: loss of function.

Submission:

Myriad Genetics, Inc.
Classification: Pathogenic for Familial cancer of breast. Last evaluated: 2023-09-07. Review status: criteria provided, single submitter. Criteria: Myriad Autosomal Dominant, Autosomal Recessive and X-Linked Classification Criteria (2023). Collection method: clinical testing. Allele origin: unknown.
Comment: This variant is considered pathogenic. This variant creates a frameshift predicted to result in premature protein truncation.